The following is an entry in ClinVar:

ClinVar aggregate classification (germline): Uncertain significance (1 of 4 stars; one submission).

Submission:

Labcorp Genetics (formerly Invitae), Labcorp
Classification: Uncertain significance. Last evaluated: 2024-01-04. Review status: criteria provided, single submitter. Criteria: Invitae Variant Classification Sherloc (09022015). Collection method: clinical testing. Allele origin: unknown.
Comment: This variant results in a copy number gain of the genomic region encompassing exon(s) 1-4 of the CYP11B1 gene. This region includes the initiator codon of the gene. This copy number gain extends beyond the assayed region for this gene and therefore may encompass additional genes. As the precise location of this event is unknown, it may be in tandem or it may be located elsewhere in the genome. This variant has not been reported in the literature in individuals affected with CYP11B1-related conditions. In summary, the available evidence is currently insufficient to determine the role of this variant in disease. Therefore, it has been classified as a Variant of Uncertain Significance.

NC_000008.10:g.(?_143958078)_(143995854_?)dup

Genes: CYP11B1 (cytochrome P450 family 11 subfamily B member 1; minus strand), CYP11B2 (cytochrome P450 family 11 subfamily B member 2; minus strand). Cytogenetic location: 8q24.3.
Variant type: Duplication.
Identifiers: ClinVar variation 3245554 (VCV003245554.1).